The following is an entry in ClinVar:

ClinVar aggregate classification (germline): Likely benign. Review status: criteria provided, multiple submitters, no conflicts (2 of 4 stars). 4 submissions from 4 submitters: Likely benign (4). Last evaluated 2026-04-18.

Conditions:
Hereditary cancer-predisposing syndrome. Also called: Tumor predisposition; Hereditary neoplastic syndrome; Neoplastic Syndromes, Hereditary; Hereditary Cancer Syndrome. Identifiers: Orphanet 140162, MedGen C0027672, MeSH D009386, MONDO:0015356.
Gorlin syndrome. Also called: Nevoid Basal Cell Carcinoma Syndrome; Basal cell nevus syndrome. Identifiers: Orphanet 377, MedGen C0004779, MONDO:0007187.
PTCH1-related disorder. Also called: PTCH1-related disorders; PTCH1-related condition.

Allele frequency attached by ClinVar (database versions not stated): gnomAD exomes 0.00001; TOPMed 0.00002.

Submissions (4):

PreventionGenetics, part of Exact Sciences
Classification: Likely benign for PTCH1-related condition. Last evaluated: 2026-04-18. Review status: criteria provided, single submitter. Criteria: ACMG Guidelines, 2015. Collection method: clinical testing. Allele origin: germline.
Comment: This variant is classified as likely benign based on ACMG/AMP sequence variant interpretation guidelines (Richards et al. 2015 PMID: 25741868, with internal and published modifications).

Labcorp Genetics (formerly Invitae), Labcorp
Classification: Likely benign for Gorlin syndrome. Last evaluated: 2026-01-05. Review status: criteria provided, single submitter. Criteria: Invitae Variant Classification Sherloc (09022015). Collection method: clinical testing. Allele origin: germline.

Sema4
Classification: Likely benign for Hereditary cancer-predisposing syndrome. Last evaluated: 2021-07-26. Review status: criteria provided, single submitter. Criteria: Sema4 Curation Guidelines. Collection method: curation. Allele origin: germline.

Ambry Genetics
Classification: Likely benign for Hereditary cancer-predisposing syndrome. Last evaluated: 2020-06-16. Review status: criteria provided, single submitter. Criteria: Ambry Variant Classification Scheme 2023. Collection method: clinical testing. Allele origin: germline.

NM_000264.5(PTCH1):c.3132T>C (p.Ala1044=)

Gene: PTCH1 (patched 1; minus strand). Cytogenetic location: 9q22.32.
Variant type: single nucleotide variant.
Coding change: c.3132T>C on transcript NM_000264.5 (MANE Select); coding-DNA position 3132, T replaced by C.
Protein change: p.Ala1044=; no amino-acid change (alanine 1044 retained).
Molecular consequence: synonymous variant. On other transcripts: non-coding transcript variant (1).
Genome position (GRCh38, 1-based): chr9:95,458,049, A>G on the plus strand (T>C on the coding strand, the complement: PTCH1 is on the minus strand). VCF-style: chr9-95458049-A-G. GRCh37 (hg19) VCF-style: chr9-98220331-A-G.
Other names: c.2934T>C, p.Ala978= (NM_001083602.3); c.3129T>C, p.Ala1043= (NM_001083603.3); c.2679T>C, p.Ala893= (NM_001083604.3, NM_001083605.3, NM_001083606.3 and 1 more transcripts); c.2976T>C, p.Ala992= (NM_001354918.2).
Identifiers: ClinVar variation 453842 (VCV000453842.16), dbSNP rs1166490973, ClinGen allele CA466351891.